The following is an entry in ClinVar:

ClinVar aggregate classification (germline): Likely benign (1 of 4 stars; one submission).

Conditions:
Progressive sclerosing poliodystrophy (MTDPS4A). Also called: Alpers-Huttenlocher Syndrome (AHS); Alpers Syndrome; ALPERS PROGRESSIVE INFANTILE POLIODYSTROPHY; Mitochondrial DNA depletion syndrome 4A (Alpers type); ALPERS DIFFUSE DEGENERATION OF CEREBRAL GRAY MATTER WITH HEPATIC CIRRHOSIS; Alpers-Huttenlocher Syndrome. Identifiers: Orphanet 726, MedGen C0205710, MONDO:0008758, OMIM 203700.

Allele frequency attached by ClinVar (database versions not stated): gnomAD exomes 0.00005 and 0.00019; ExAC 0.00007; gnomAD 0.00010 and 0.00011; TOPMed 0.00010; ESP Exome Variant Server 0.00023.

Submission:

Wong Mito Lab, Molecular and Human Genetics, Baylor College of Medicine
Classification: Likely benign for Progressive sclerosing poliodystrophy. Last evaluated: 2018-10-01. Review status: criteria provided, single submitter. Criteria: ACMG Guidelines, 2015. Collection method: clinical testing. Allele origin: germline.
Comment: The NM_002693.2:c.1024-44C>T (NP_002684.1:p.=) [GRCH38: NC_000015.10:g.89328875G>A] variant in POLG gene is interpretated to be a Likely Benign based on ACMG guidelines (PMID: 25741868). This variant meets the following evidence codes reported in the ACMG-guideline. BP4:Computational evidence/predictors indicate no impact on the POLG structure, function, or protein-protein interaction. BP6:Reputable source(s) without shared data suggest the variant is benign. Based on the evidence criteria codes applied, the variant is suggested to be Likely Benign.

NM_002693.3(POLG):c.1024-44C>T

Gene: POLG (DNA polymerase gamma, catalytic subunit; minus strand). Cytogenetic location: 15q26.1.
Variant type: single nucleotide variant.
Coding change: c.1024-44C>T on transcript NM_002693.3 (MANE Select); 44 bases into the intron before coding-DNA position 1024, C replaced by T.
Molecular consequence: intron variant.
Genome position (GRCh38, 1-based): chr15:89,328,875, G>A on the plus strand (C>T on the coding strand, the complement: POLG is on the minus strand). VCF-style: chr15-89328875-G-A. GRCh37 (hg19) VCF-style: chr15-89872106-G-A.
Other names: c.1024-44C>T (NM_001126131.2).
Identifiers: ClinVar variation 619346 (VCV000619346.1), dbSNP rs370557654, ClinGen allele CA7724968.